The following is an entry in ClinVar:

NM_001042492.3(NF1):c.2398G>T (p.Glu800Ter)

Gene: NF1 (neurofibromin 1; plus strand). Cytogenetic location: 17q11.2.
Variant type: single nucleotide variant.
Coding change: c.2398G>T on transcript NM_001042492.3 (MANE Select); coding-DNA position 2398, G replaced by T.
Protein change: p.Glu800Ter; replaces glutamic acid 800 with a stop codon.
Molecular consequence: nonsense.
Genome position (GRCh38, 1-based): chr17:31,227,595, G>T. VCF-style: chr17-31227595-G-T. GRCh37 (hg19) VCF-style: chr17-29554613-G-T.
Other names: c.2398G>T, p.Glu800Ter (NM_000267.4); short protein forms E800*.
Identifiers: ClinVar variation 1069058 (VCV001069058.6), dbSNP rs2151427599, ClinGen allele CA398983290.

ClinVar aggregate classification (germline): Pathogenic. Review status: criteria provided, multiple submitters, no conflicts (2 of 4 stars). 2 submissions from 2 submitters: Pathogenic (2). Last evaluated 2023-05-12.

Conditions:
Hereditary cancer-predisposing syndrome. Also called: Tumor predisposition; Neoplastic Syndromes, Hereditary; Hereditary neoplastic syndrome; Hereditary Cancer Syndrome. Identifiers: Orphanet 140162, MedGen C0027672, MeSH D009386, MONDO:0015356.
Cardiovascular phenotype. Identifiers: MedGen CN230736.
Neurofibromatosis, type 1 (NF1). Also called: VON RECKLINGHAUSEN DISEASE; Peripheral type neurofibromatosis; NEUROFIBROMATOSIS, TYPE I, SOMATIC; Neurofibromatosis, type I. Identifiers: Orphanet 636, MedGen C0027831, MONDO:0018975, OMIM 162200. Disease mechanism: loss of function.

Submissions (2):

Ambry Genetics
Classification: Pathogenic for Cardiovascular phenotype; Hereditary cancer-predisposing syndrome. Last evaluated: 2023-05-12. Review status: criteria provided, single submitter. Criteria: Ambry Variant Classification Scheme 2023. Collection method: clinical testing. Allele origin: germline.
Comment: The p.E800* variant (also known as c.2398G>T), located in coding exon 20 of the NF1 gene, results from a G to T substitution at nucleotide position 2398. This changes the amino acid from a glutamic acid to a stop codon within coding exon 20. In addition to the clinical data presented in the literature, this alteration is expected to result in loss of function by premature protein truncation or nonsense-mediated mRNA decay. As such, this alteration is interpreted as a disease-causing mutation.

Labcorp Genetics (formerly Invitae), Labcorp
Classification: Pathogenic for Neurofibromatosis, type 1. Last evaluated: 2022-09-14. Review status: criteria provided, single submitter. Criteria: Invitae Variant Classification Sherloc (09022015). Collection method: clinical testing. Allele origin: germline.
Comment: This sequence change creates a premature translational stop signal (p.Glu800*) in the NF1 gene. It is expected to result in an absent or disrupted protein product. Loss-of-function variants in NF1 are known to be pathogenic (PMID: 10712197, 23913538). This variant is not present in population databases (gnomAD no frequency). This premature translational stop signal has been observed in individual(s) with neurofibromatosis type 1 (PMID: 28891274). ClinVar contains an entry for this variant (Variation ID: 1069058). Algorithms developed to predict the effect of sequence changes on RNA splicing suggest that this variant may create or strengthen a splice site. For these reasons, this variant has been classified as Pathogenic.

Literature cited by the submitters: PubMed 10712197 (cited by Labcorp Genetics (formerly Invitae), Labcorp); PubMed 23913538 (cited by Labcorp Genetics (formerly Invitae), Labcorp); PubMed 28891274 (cited by Labcorp Genetics (formerly Invitae), Labcorp).